The following is an entry in ClinVar:

ClinVar aggregate classification (germline): Conflicting classifications of pathogenicity. Review status: criteria provided, conflicting classifications (1 of 4 stars). 3 submissions from 3 submitters: Uncertain significance (1); Likely benign (1). 1 of the submissions does not count toward it. Last evaluated 2025-10-06.

Conditions:
ACACA-related disorder. Also called: ACACA-related condition.

Allele frequency attached by ClinVar (database versions not stated): TOPMed 0.00046; 1000 Genomes Project 30x 0.00047; 1000 Genomes Project 0.00060; gnomAD exomes 0.00061 and 0.00074; ESP Exome Variant Server 0.00062; gnomAD 0.00065 and 0.00068; ExAC 0.00074.
gnomAD v4.1: 1,178 of 1,610,596 alleles (0.073%); highest among the groups gnomAD compares: Non-Finnish European, 0.086%; no homozygotes.

Submissions (3):

Labcorp Genetics (formerly Invitae), Labcorp
Classification: Likely benign. Last evaluated: 2025-10-06. Review status: criteria provided, single submitter. Criteria: Invitae Variant Classification Sherloc (09022015). Collection method: clinical testing. Allele origin: germline.

CeGaT Center for Human Genetics Tuebingen
Classification: Uncertain significance. Last evaluated: 2019-06-01. Review status: criteria provided, single submitter. Criteria: CeGaT Center For Human Genetics Tuebingen Variant Classification Criteria Version 2. Collection method: clinical testing. Allele origin: germline. Affected: yes. Observed: 1 variant allele.

PreventionGenetics, part of Exact Sciences
Classification: Likely benign for ACACA-related condition. Last evaluated: 2019-06-03. Review status: no assertion criteria provided. Collection method: clinical testing. Allele origin: germline. Not counted in ClinVar's aggregate classification.
Comment: This variant is classified as likely benign based on ACMG/AMP sequence variant interpretation guidelines (Richards et al. 2015 PMID: 25741868, with internal and published modifications).

NM_198834.3(ACACA):c.4057-5C>T

Gene: ACACA (acetyl-CoA carboxylase alpha; minus strand). Cytogenetic location: 17q12.
Variant type: single nucleotide variant.
Coding change: c.4057-5C>T on transcript NM_198834.3 (MANE Select); 5 bases into the intron before coding-DNA position 4057, C replaced by T.
Molecular consequence: intron variant.
Genome position (GRCh38, 1-based): chr17:37,200,488, G>A on the plus strand (C>T on the coding strand, the complement: ACACA is on the minus strand). VCF-style: chr17-37200488-G-A. GRCh37 (hg19) VCF-style: chr17-35557431-G-A.
Other names: c.3946-5C>T (NM_198839.3, NM_198836.3); c.3772-5C>T (NM_198837.2); c.3712-5C>T (NM_198838.2); c.4057-5C>T (NM_198834.2).
Identifiers: ClinVar variation 808254 (VCV000808254.48), dbSNP rs200301970, ClinGen allele CA8515164.